The following is an entry in ClinVar:

NM_000059.4(BRCA2):c.6382A>G (p.Lys2128Glu)

Gene: BRCA2 (BRCA2 DNA repair associated; plus strand). Cytogenetic location: 13q13.1.
Variant type: single nucleotide variant.
Coding change: c.6382A>G on transcript NM_000059.4 (MANE Select); coding-DNA position 6382, A replaced by G.
Protein change: p.Lys2128Glu; replaces lysine 2128 with glutamic acid.
Molecular consequence: missense variant.
Genome position (GRCh38, 1-based): chr13:32,340,737, A>G. VCF-style: chr13-32340737-A-G. GRCh37 (hg19) VCF-style: chr13-32914874-A-G.
Other names: short protein forms K2128E.
Identifiers: ClinVar variation 628308 (VCV000628308.23), dbSNP rs80358875, ClinGen allele CA6940947.

ClinVar aggregate classification (germline): Conflicting classifications of pathogenicity. Review status: criteria provided, conflicting classifications (1 of 4 stars). 7 submissions from 7 submitters: Uncertain significance (5); Likely benign (2). Last evaluated 2026-03-30.

Conditions:
BRCA2-related cancer predisposition. Identifiers: MedGen CN377758, MONDO:0700269.
Hereditary cancer-predisposing syndrome. Also called: Tumor predisposition; Hereditary Cancer Syndrome; Neoplastic Syndromes, Hereditary; Hereditary neoplastic syndrome. Identifiers: Orphanet 140162, MedGen C0027672, MeSH D009386, MONDO:0015356.
Hereditary breast ovarian cancer syndrome. Also called: Hereditary breast and ovarian cancer; Hereditary breast and ovarian cancer syndrome (HBOC); Hereditary breast and ovarian cancer syndrome; Breast and ovarian cancer; Hereditary breast and/or ovarian cancer syndrome; BRCA1- and BRCA2-Associated Hereditary Breast and Ovarian Cancer. Identifiers: Orphanet 145, MedGen C0677776, MeSH D061325, MONDO:0003582. Disease mechanism: loss of function.

Allele frequency attached by ClinVar (database versions not stated): gnomAD exomes below 0.00001; ExAC 0.00001; TOPMed 0.00001.

Submissions (7):

Ambry Genetics
Classification: Likely benign for Hereditary cancer-predisposing syndrome. Last evaluated: 2026-03-30. Review status: criteria provided, single submitter. Criteria: Ambry Variant Classification Scheme 2023. Collection method: clinical testing. Allele origin: germline.

Labcorp Genetics (formerly Invitae), Labcorp
Classification: Uncertain significance for Hereditary breast ovarian cancer syndrome. Last evaluated: 2025-08-18. Review status: criteria provided, single submitter. Criteria: Invitae Variant Classification Sherloc (09022015). Collection method: clinical testing. Allele origin: germline.
Comment: This sequence change replaces lysine, which is basic and polar, with glutamic acid, which is acidic and polar, at codon 2128 of the BRCA2 protein (p.Lys2128Glu). This variant is present in population databases (rs80358875, gnomAD 0.003%). This missense change has been observed in individual(s) with personal and/or family history of breast and ovarian cancer (PMID: 18060494). This variant is also known as c.6610A>G. ClinVar contains an entry for this variant (Variation ID: 628308). Invitae Evidence Modeling of protein sequence and biophysical properties (such as structural, functional, and spatial information, amino acid conservation, physicochemical variation, residue mobility, and thermodynamic stability) indicates that this missense variant is not expected to disrupt BRCA2 protein function with a negative predictive value of 95%. In summary, the available evidence is currently insufficient to determine the role of this variant in disease. Therefore, it has been classified as a Variant of Uncertain Significance.

All of Us Research Program, National Institutes of Health
Classification: Uncertain significance for BRCA2-related cancer predisposition. Last evaluated: 2024-08-13. Review status: criteria provided, single submitter. Criteria: ACMG Guidelines, 2015. Collection method: clinical testing. Allele origin: germline. Inheritance: Autosomal dominant inheritance. Observed: 2 variant alleles, 2 heterozygotes.
Comment: This missense variant replaces lysine with glutamic acid at codon 2128 of the BRCA2 protein. Computational prediction suggests that this variant may not impact protein structure and function. To our knowledge, functional studies have not been reported for this variant. This variant has been reported in an individual affected with breast cancer who has a BRCA2 nonsense co-variant (c.1399A>T p.Lys467*) and in a suspected hereditary breast cancer family (PMID: 18060494; DOI:10.23937/2378-3648/1410019). This variant has been identified in 1/241872 chromosomes in the general population by the Genome Aggregation Database (gnomAD). The available evidence is insufficient to determine the role of this variant in disease conclusively. Therefore, this variant is classified as a Variant of Uncertain Significance.

This study involves interpretation of variants in research participants for the purpose of population health screening. Participant phenotype was not available at the time of variant classification. Additional details can be found in publication PMID: 35346344, PMCID: PMC8962531

Color Diagnostics, LLC DBA Color Health
Classification: Uncertain significance for Hereditary cancer-predisposing syndrome. Last evaluated: 2024-07-24. Review status: criteria provided, single submitter. Criteria: ACMG Guidelines, 2015. Collection method: clinical testing. Allele origin: germline.
Comment: This missense variant replaces lysine with glutamic acid at codon 2128 of the BRCA2 protein. Computational prediction suggests that this variant may not impact protein structure and function. To our knowledge, functional studies have not been reported for this variant. This variant has been reported in an individual affected with breast cancer who has a BRCA2 nonsense co-variant (c.1399A>T p.Lys467*) and in a suspected hereditary breast cancer family (PMID: 18060494; DOI:10.23937/2378-3648/1410019). This variant has been identified in 1/241872 chromosomes in the general population by the Genome Aggregation Database (gnomAD). The available evidence is insufficient to determine the role of this variant in disease conclusively. Therefore, this variant is classified as a Variant of Uncertain Significance.

University of Washington Department of Laboratory Medicine, University of Washington
Classification: Likely benign for Hereditary cancer-predisposing syndrome. Last evaluated: 2023-03-23. Review status: criteria provided, single submitter. Criteria: Dines et al. (Genet Med. 2020). Collection method: curation. Allele origin: germline.
Comment: Missense variant in a coldspot region where missense variants are very unlikely to be pathogenic (PMID:31911673).

BRCA2 exon 11 coldspot. Reclassification based on statistical prior probability.

Quest Diagnostics Nichols Institute San Juan Capistrano
Classification: Uncertain significance. Last evaluated: 2023-02-23. Review status: criteria provided, single submitter. Criteria: Quest Diagnostics criteria. Collection method: clinical testing. Allele origin: unknown.
Comment: The frequency of this variant in the general population, 0.0000041 (1/241872 chromosomes), is uninformative in assessment of its pathogenicity. In the published literature, the variant has been reported in a family with breast and ovarian cancer (PMID: 18060494 (2008)). Analysis of this variant using bioinformatics tools for the prediction of the effect of amino acid changes on protein structure and function yielded predictions that this variant is benign. Based on the available information, we are unable to determine the clinical significance of this variant.

GeneDx
Classification: Uncertain significance. Last evaluated: 2019-10-29. Review status: criteria provided, single submitter. Criteria: GeneDx Variant Classification Process June 2021. Collection method: clinical testing. Allele origin: germline. Affected: yes.
Comment: Not observed at a significant frequency in large population cohorts (Lek 2016); In silico analysis, which includes protein predictors and evolutionary conservation, supports that this variant does not alter protein structure/function; Also known as 6556A>G; This variant is associated with the following publications: (PMID: 18060494)

Literature cited by the submitters: PubMed 18060494 (cited by 4 submitters); PubMed 1410019 (cited by Color Diagnostics, LLC DBA Color Health).